The following is an entry in ClinVar:

ClinVar aggregate classification (germline): Uncertain significance (1 of 4 stars; one submission).

Conditions:
46,XY sex reversal 6. Also called: 46,XY SEX REVERSAL, PARTIAL OR COMPLETE, MAP3K1-RELATED; 46,XY GONADAL DYSGENESIS, PARTIAL OR COMPLETE, MAP3K1-RELATED. Identifiers: MedGen C3151064, MONDO:0013410, OMIM 613762.

Submission:

Labcorp Genetics (formerly Invitae), Labcorp
Classification: Uncertain significance for 46,XY sex reversal 6. Last evaluated: 2021-02-24. Review status: criteria provided, single submitter. Criteria: Invitae Variant Classification Sherloc (09022015). Collection method: clinical testing. Allele origin: germline.
Comment: This variant, c.2842_2847dup, results in the insertion of 2 amino acid(s) to the MAP3K1 protein (p.Thr948_Thr949dup), but otherwise preserves the integrity of the reading frame. This variant is present in population databases (rs769777412, ExAC 0.04%). This variant has not been reported in the literature in individuals with MAP3K1-related conditions. Experimental studies and prediction algorithms are not available or were not evaluated, and the functional significance of this variant is currently unknown. In summary, the available evidence is currently insufficient to determine the role of this variant in disease. Therefore, it has been classified as a Variant of Uncertain Significance.

NM_005921.2(MAP3K1):c.2824ACA[10] (p.Thr948_Thr949dup)

Gene: MAP3K1 (mitogen-activated protein kinase kinase kinase 1; plus strand). Cytogenetic location: 5q11.2.
Variant type: Microsatellite.
Coding change: c.2824ACA[10] on transcript NM_005921.2 (MANE Select); ten copies in a row of the 3-base unit ACA starting at c.2824; the reference has eight copies in a row; two copies, 6 bases duplicated.
Protein change: p.Thr948_Thr949dup.
Molecular consequence: inframe insertion.
Genome position (GRCh38, 1-based): chr5:56,882,042-56,882,047, ACAACA duplicated; duplicating any 6 consecutive bases within chr5:56,882,022-56,882,047 gives the same sequence; the position shown is the placement nearest the transcript's 3' end. VCF-style (leftmost placement, unchanged base first): chr5-56882021-T-TCAACAA. GRCh37 (hg19) VCF-style: chr5-56177848-T-TCAACAA.
Identifiers: ClinVar variation 1409129 (VCV001409129.8), dbSNP rs5868032, ClinGen allele CA3273070.